The following is an entry in ClinVar:

NM_033427.3(CTTNBP2):c.4221A>G (p.Leu1407=)

Gene: CTTNBP2 (cortactin binding protein 2; minus strand). Cytogenetic location: 7q31.31.
Variant type: single nucleotide variant.
Coding change: c.4221A>G on transcript NM_033427.3 (MANE Select); coding-DNA position 4221, A replaced by G.
Protein change: p.Leu1407=; no amino-acid change (leucine 1407 retained).
Molecular consequence: synonymous variant.
Genome position (GRCh38, 1-based): chr7:117,725,092, T>C on the plus strand (A>G on the coding strand, the complement: CTTNBP2 is on the minus strand). VCF-style: chr7-117725092-T-C. GRCh37 (hg19) VCF-style: chr7-117365146-T-C.
Other names: c.4167A>G, p.Leu1389= (NM_001363349.1); c.2124A>G, p.Leu708= (NM_001363350.1, NM_001363351.1).
Identifiers: ClinVar variation 3057560 (VCV003057560.3), dbSNP rs143800569, ClinGen allele CA4451959.

ClinVar aggregate classification (germline): Likely benign. Review status: criteria provided, single submitter (1 of 4 stars). 2 submissions from 2 submitters: Likely benign (1). 1 of the submissions does not count toward it. Last evaluated 2026-09-01.

Conditions:
CTTNBP2-related disorder. Also called: CTTNBP2-related condition.

Allele frequency attached by ClinVar (database versions not stated): 1000 Genomes Project 30x 0.00016; 1000 Genomes Project 0.00020; ExAC 0.00024; gnomAD 0.00037; TOPMed 0.00037; gnomAD exomes 0.00050; ESP Exome Variant Server 0.00054.
gnomAD v4.1: 783 of 1,612,910 alleles (0.049%); highest among the groups gnomAD compares: Non-Finnish European, 0.061%; no homozygotes.

Submissions (2):

CeGaT Center for Human Genetics Tuebingen
Classification: Likely benign. Last evaluated: 2026-09-01. Review status: criteria provided, single submitter. Criteria: CeGaT Center For Human Genetics Tuebingen Variant Classification Criteria Version 2. Collection method: clinical testing. Allele origin: germline. Affected: yes. Observed: 1 variant allele.
Comment: CTTNBP2: BP4, BP7

PreventionGenetics, part of Exact Sciences
Classification: Likely benign for CTTNBP2-related condition. Last evaluated: 2024-02-23. Review status: no assertion criteria provided. Collection method: clinical testing. Allele origin: germline. Not counted in ClinVar's aggregate classification.
Comment: This variant is classified as likely benign based on ACMG/AMP sequence variant interpretation guidelines (Richards et al. 2015 PMID: 25741868, with internal and published modifications).